The following is an entry in ClinVar:

ClinVar aggregate classification (germline): Uncertain significance (0 of 4 stars; one submission).

Allele frequency attached by ClinVar (database versions not stated): gnomAD 0.00001.
gnomAD v4.1: 1 of 1,613,784 alleles (0.000062%); highest among the groups gnomAD compares: Admixed American, 0.0017%; no homozygotes.

Submission:

Greenwood Genetic Center Diagnostic Laboratories, Greenwood Genetic Center
Classification: Uncertain significance. Last evaluated: 2021-01-26. Review status: no assertion criteria provided. Collection method: clinical testing. Allele origin: germline. Affected: yes.
Comment: Gene of uncertain clinical significance

NM_001377935.1(RAPGEF1):c.1505A>G (p.Tyr502Cys)

Gene: RAPGEF1 (Rap guanine nucleotide exchange factor 1; minus strand). Cytogenetic location: 9q34.13.
Variant type: single nucleotide variant.
Coding change: c.1505A>G on transcript NM_001377935.1 (MANE Select); coding-DNA position 1505, A replaced by G.
Protein change: p.Tyr502Cys; replaces tyrosine 502 with cysteine.
Molecular consequence: missense variant.
Genome position (GRCh38, 1-based): chr9:131,626,119, T>C on the plus strand (A>G on the coding strand, the complement: RAPGEF1 is on the minus strand). VCF-style: chr9-131626119-T-C. GRCh37 (hg19) VCF-style: chr9-134501506-T-C.
Other names: c.1505A>G, p.Tyr502Cys (NM_001304275.2); c.1358A>G, p.Tyr453Cys (NM_001377936.1); c.1391A>G, p.Tyr464Cys (NM_001377937.1, NM_001377938.1); c.1454A>G, p.Tyr485Cys (NM_005312.4); c.1508A>G, p.Tyr503Cys (NM_198679.2); short protein forms Y453C, Y464C, Y485C, Y502C, Y503C.
Identifiers: ClinVar variation 1331664 (VCV001331664.4), dbSNP rs893752079, ClinGen allele CA200766392.